The following is an entry in ClinVar:

ClinVar aggregate classification (germline): Uncertain significance (1 of 4 stars; one submission).

Submission:

Labcorp Genetics (formerly Invitae), Labcorp
Classification: Uncertain significance. Last evaluated: 2020-01-15. Review status: criteria provided, single submitter. Criteria: Invitae Variant Classification Sherloc (09022015). Collection method: clinical testing. Allele origin: germline.
Comment: This variant is not present in population databases (ExAC no frequency). This sequence change replaces threonine with alanine at codon 1056 of the POLE protein (p.Thr1056Ala). The threonine residue is highly conserved and there is a small physicochemical difference between threonine and alanine. In summary, the available evidence is currently insufficient to determine the role of this variant in disease. Therefore, it has been classified as a Variant of Uncertain Significance. Algorithms developed to predict the effect of missense changes on protein structure and function (SIFT, PolyPhen-2, Align-GVGD) all suggest that this variant is likely to be disruptive, but these predictions have not been confirmed by published functional studies and their clinical significance is uncertain. This variant has not been reported in the literature in individuals with POLE-related conditions.

NM_006231.4(POLE):c.3166A>G (p.Thr1056Ala)

Gene: POLE (DNA polymerase epsilon, catalytic subunit; minus strand). Cytogenetic location: 12q24.33.
Variant type: single nucleotide variant.
Coding change: c.3166A>G on transcript NM_006231.4 (MANE Select); coding-DNA position 3166, A replaced by G.
Protein change: p.Thr1056Ala; replaces threonine 1056 with alanine.
Molecular consequence: missense variant.
Genome position (GRCh38, 1-based): chr12:132,659,404, T>C on the plus strand (A>G on the coding strand, the complement: POLE is on the minus strand). VCF-style: chr12-132659404-T-C. GRCh37 (hg19) VCF-style: chr12-133235990-T-C.
Other names: short protein forms T1056A.
Identifiers: ClinVar variation 1003142 (VCV001003142.9), dbSNP rs2042629619, ClinGen allele CA387390841.